The following is an entry in ClinVar:

ClinVar aggregate classification (germline): Pathogenic (1 of 4 stars; one submission).

Conditions:
Hereditary cancer-predisposing syndrome. Also called: Neoplastic Syndromes, Hereditary; Hereditary Cancer Syndrome; Tumor predisposition; Hereditary neoplastic syndrome. Identifiers: Orphanet 140162, MedGen C0027672, MeSH D009386, MONDO:0015356.

Submission:

Ambry Genetics
Classification: Pathogenic for Hereditary cancer-predisposing syndrome. Last evaluated: 2024-12-27. Review status: criteria provided, single submitter. Criteria: Ambry Variant Classification Scheme 2023. Collection method: clinical testing. Allele origin: germline.
Comment: The c.606dupG pathogenic mutation, located in coding exon 4 of the PTCH1 gene, results from a duplication of G at nucleotide position 606, causing a translational frameshift with a predicted alternate stop codon (p.C203Vfs*49). This variant is considered to be rare based on population cohorts in the Genome Aggregation Database (gnomAD). This alteration is expected to result in loss of function by premature protein truncation or nonsense-mediated mRNA decay. As such, this alteration is interpreted as a disease-causing mutation.

NM_000264.5(PTCH1):c.606dup (p.Cys203fs)

Gene: PTCH1 (patched 1; minus strand). Cytogenetic location: 9q22.32.
Variant type: Duplication.
Coding change: c.606dup on transcript NM_000264.5 (MANE Select); coding-DNA position 606, one base duplicated (G; older notation c.606dupG).
Protein change: p.Cys203fs; shifts the reading frame from cysteine 203.
Molecular consequence: frameshift variant. On other transcripts: non-coding transcript variant (1).
Genome position (GRCh38, 1-based): chr9:95,482,182, C duplicated on the plus strand (G on the coding strand, the reverse complement: PTCH1 is on the minus strand). VCF-style (leftmost placement, unchanged base first): chr9-95482181-A-AC. GRCh37 (hg19) VCF-style: chr9-98244463-A-AC.
Other names: c.408dup, p.Cys137fs (NM_001083602.3, NM_001354919.2); c.603dup, p.Cys202fs (NM_001083603.3); c.153dup, p.Cys52fs (NM_001083604.3, NM_001083605.3, NM_001083606.3 and 1 more transcripts); c.606dup, p.Cys203fs (NM_001354918.2); c.606dupG (NM_000264.3); short protein forms C203fs, C202fs, C137fs, C52fs.
Identifiers: ClinVar variation 3784600 (VCV003784600.1).